The following is an entry in ClinVar:

NM_001395413.1(POR):c.1623A>C (p.Ile541=)

Gene: POR (cytochrome p450 oxidoreductase; plus strand). Cytogenetic location: 7q11.23.
Variant type: single nucleotide variant.
Coding change: c.1623A>C on transcript NM_001395413.1 (MANE Select); coding-DNA position 1623, A replaced by C.
Protein change: p.Ile541=; no amino-acid change (isoleucine 541 retained).
Molecular consequence: synonymous variant.
Genome position (GRCh38, 1-based): chr7:75,985,812, A>C. VCF-style: chr7-75985812-A-C. GRCh37 (hg19) VCF-style: chr7-75615130-A-C.
Other names: c.1632A>C, p.Ile544= (NM_000941.2, NM_000941.3); c.1623A>C, p.Ile541= (NM_001367562.3, NM_001382657.2, NM_001382658.3 and 1 more transcripts); c.1677A>C, p.Ile559= (NM_001382655.3); c.1473A>C, p.Ile491= (NM_001382662.3).
Identifiers: ClinVar variation 2731232 (VCV002731232.4), dbSNP rs372404067, ClinGen allele CA4304211.

ClinVar aggregate classification (germline): Likely benign. Review status: criteria provided, multiple submitters, no conflicts (2 of 4 stars). 2 submissions from 2 submitters: Likely benign (2). Last evaluated 2026-05-20.

Conditions:
Congenital adrenal hyperplasia due to cytochrome P450 oxidoreductase deficiency. Also called: DISORDERED STEROIDOGENESIS DUE TO POR DEFICIENCY. Identifiers: Orphanet 95699, MedGen C1860042, MONDO:0013310, OMIM 613571.
POR-related disorder. Also called: POR-related condition.

Allele frequency attached by ClinVar (database versions not stated): gnomAD 0.00002; TOPMed 0.00003; ExAC 0.00012; ESP Exome Variant Server 0.00017.
gnomAD v4.1: 67 of 1,561,126 alleles (0.0043%); highest among the groups gnomAD compares: Non-Finnish European, 0.0056%; no homozygotes.

Submissions (2):

PreventionGenetics, part of Exact Sciences
Classification: Likely benign for POR-related condition. Last evaluated: 2026-05-20. Review status: criteria provided, single submitter. Criteria: ACMG Guidelines, 2015. Collection method: clinical testing. Allele origin: germline.
Comment: This variant is classified as likely benign based on ACMG/AMP sequence variant interpretation guidelines (Richards et al. 2015 PMID: 25741868, with internal and published modifications).

Labcorp Genetics (formerly Invitae), Labcorp
Classification: Likely benign for Congenital adrenal hyperplasia due to cytochrome P450 oxidoreductase deficiency. Last evaluated: 2023-08-20. Review status: criteria provided, single submitter. Criteria: Invitae Variant Classification Sherloc (09022015). Collection method: clinical testing. Allele origin: germline.